The following is an entry in ClinVar:

NC_000019.9:g.(?_45854887)_(45860977_?)del

Gene: ERCC2 (ERCC excision repair 2, TFIIH core complex helicase subunit; minus strand). Cytogenetic location: 19q13.32.
Variant type: Deletion.
Identifiers: ClinVar variation 3242642 (VCV003242642.1).

ClinVar aggregate classification (germline): Pathogenic (1 of 4 stars; one submission).

Submission:

Labcorp Genetics (formerly Invitae), Labcorp
Classification: Pathogenic. Last evaluated: 2023-12-13. Review status: criteria provided, single submitter. Criteria: Invitae Variant Classification Sherloc (09022015). Collection method: clinical testing. Allele origin: unknown.
Comment: This variant is a gross deletion of the genomic region encompassing exon(s) 13-23 of the ERCC2 gene, which includes the termination codon. This deletion extends beyond the assayed region for this gene and therefore may encompass additional genes. While this deletion is not anticipated to lead to nonsense mediated decay, it is expected to alter mRNA translation or result in a truncated protein product. This variant has not been reported in the literature in individuals affected with ERCC2-related conditions. This variant disrupts a region of the ERCC2 protein in which other variant(s) (p.Ala725Pro) have been determined to be pathogenic (PMID: 9195225, 23232694, 25002996). This suggests that this is a clinically significant region of the protein, and that variants that disrupt it are likely to be disease-causing. For these reasons, this variant has been classified as Pathogenic.

Literature cited by the submitters: PubMed 9195225; PubMed 23232694; PubMed 25002996.